The following is an entry in ClinVar:

ClinVar aggregate classification (germline): Uncertain significance (1 of 4 stars; one submission).

Conditions:
Familial adenomatous polyposis 1 (FAP1). Also called: FAMILIAL ADENOMATOUS POLYPOSIS 1, ATTENUATED; POLYPOSIS, ADENOMATOUS INTESTINAL. Identifiers: MedGen C2713442, MONDO:0021056, OMIM 175100. Disease mechanism: loss of function.

Allele frequency attached by ClinVar (database versions not stated): gnomAD exomes below 0.00001.
gnomAD v4.1: 1 of 447,060 alleles (0.00022%); highest among the groups gnomAD compares: Non-Finnish European, 0.00042%; no homozygotes.

Submission:

Labcorp Genetics (formerly Invitae), Labcorp
Classification: Uncertain significance for Familial adenomatous polyposis 1. Last evaluated: 2023-07-08. Review status: criteria provided, single submitter. Criteria: Invitae Variant Classification Sherloc (09022015). Collection method: clinical testing. Allele origin: germline.
Comment: This variant occurs in a non-coding region of the APC gene. It does not change the encoded amino acid sequence of the APC protein. This variant is not present in population databases (gnomAD no frequency). This variant has not been reported in the literature in individuals affected with APC-related conditions. Experimental studies and prediction algorithms are not available or were not evaluated, and the functional significance of this variant is currently unknown. In summary, the available evidence is currently insufficient to determine the role of this variant in disease. Therefore, it has been classified as a Variant of Uncertain Significance.

NM_001127511.3(APC):c.-217T>C

Genes: APC (APC regulator of Wnt signaling pathway; plus strand), LOC129994371 (ATAC-STARR-seq lymphoblastoid active region 22910; plus strand). Cytogenetic location: 5q22.2.
Variant type: single nucleotide variant.
Coding change: c.-217T>C on transcript NM_001127511.3; 217 bases upstream of the start codon, T replaced by C.
Molecular consequence: 5 prime UTR variant. On other transcripts: non-coding transcript variant (2).
Genome position (GRCh38, 1-based): chr5:112,707,501, T>C. VCF-style: chr5-112707501-T-C. GRCh37 (hg19) VCF-style: chr5-112043198-T-C.
Other names: c.-400T>C (NM_001354895.2, NM_001407447.1, NM_001407452.1 and 3 more transcripts); c.-217T>C (NM_001354897.2, NM_001354902.2, NM_001407446.1); c.-167T>C (NM_001407448.1, NM_001407450.1, NM_001407457.1 and 1 more transcripts); c.-191T>C (NM_001407453.1); c.-1435T>C (NM_001407470.1, NM_001407472.1).
Identifiers: ClinVar variation 1037649 (VCV001037649.7), dbSNP rs1750568152, ClinGen allele CA1573442364.